The following is an entry in ClinVar:

NM_001330723.2(SNX27):c.1075A>G (p.Lys359Glu)

Gene: SNX27 (sorting nexin 27; plus strand). Cytogenetic location: 1q21.3.
Variant type: single nucleotide variant.
Coding change: c.1075A>G on transcript NM_001330723.2 (MANE Select); coding-DNA position 1075, A replaced by G.
Protein change: p.Lys359Glu; replaces lysine 359 with glutamic acid.
Molecular consequence: missense variant.
Genome position (GRCh38, 1-based): chr1:151,668,561, A>G. VCF-style: chr1-151668561-A-G. GRCh37 (hg19) VCF-style: chr1-151641037-A-G.
Other names: c.1075A>G, p.Lys359Glu (NM_030918.6); short protein forms K359E.
Identifiers: ClinVar variation 1439192 (VCV001439192.5), dbSNP rs2102695473, ClinGen allele CA341966258.

ClinVar aggregate classification (germline): Uncertain significance (1 of 4 stars; one submission).

Conditions:
Severe myoclonic epilepsy in infancy (DRVT). Also called: DEVELOPMENTAL AND EPILEPTIC ENCEPHALOPATHY 6A; Severe Myoclonic Epilepsy in Infancy (SMEI); SEVERE MYOCLONIC EPILEPSY OF INFANCY; Dravet syndrome; Epileptic encephalopathy, early infantile, 6 (Dravet syndrome). Identifiers: Orphanet 33069, MedGen C0751122, MONDO:0100135, OMIM 607208.

Submission:

Labcorp Genetics (formerly Invitae), Labcorp
Classification: Uncertain significance for Severe myoclonic epilepsy in infancy. Last evaluated: 2021-08-14. Review status: criteria provided, single submitter. Criteria: Invitae Variant Classification Sherloc (09022015). Collection method: clinical testing. Allele origin: germline.
Comment: This sequence change replaces lysine with glutamic acid at codon 359 of the SNX27 protein (p.Lys359Glu). The lysine residue is highly conserved and there is a small physicochemical difference between lysine and glutamic acid. This variant is not present in population databases (ExAC no frequency). This variant has not been reported in the literature in individuals affected with SNX27-related conditions. Algorithms developed to predict the effect of missense changes on protein structure and function (SIFT, PolyPhen-2, Align-GVGD) all suggest that this variant is likely to be disruptive. In summary, the available evidence is currently insufficient to determine the role of this variant in disease. Therefore, it has been classified as a Variant of Uncertain Significance.